The following is an entry in ClinVar:

NM_005732.4(RAD50):c.2674G>C (p.Val892Leu)

Gene: RAD50 (RAD50 double strand break repair protein; plus strand). Cytogenetic location: 5q31.1.
Variant type: single nucleotide variant.
Coding change: c.2674G>C on transcript NM_005732.4 (MANE Select); coding-DNA position 2674, G replaced by C.
Protein change: p.Val892Leu; replaces valine 892 with leucine.
Molecular consequence: missense variant.
Genome position (GRCh38, 1-based): chr5:132,604,955, G>C. VCF-style: chr5-132604955-G-C. GRCh37 (hg19) VCF-style: chr5-131940647-G-C.
Other names: short protein forms V892L.
Identifiers: ClinVar variation 1483331 (VCV001483331.6), dbSNP rs1554099197, ClinGen allele CA360956832.

ClinVar aggregate classification (germline): Uncertain significance (1 of 4 stars; one submission).

Conditions:
Hereditary cancer-predisposing syndrome. Also called: Tumor predisposition; Hereditary Cancer Syndrome; Hereditary neoplastic syndrome; Neoplastic Syndromes, Hereditary. Identifiers: Orphanet 140162, MedGen C0027672, MeSH D009386, MONDO:0015356.

Submission:

Labcorp Genetics (formerly Invitae), Labcorp
Classification: Uncertain significance for Hereditary cancer-predisposing syndrome. Last evaluated: 2021-10-21. Review status: criteria provided, single submitter. Criteria: Invitae Variant Classification Sherloc (09022015). Collection method: clinical testing. Allele origin: germline.
Comment: In summary, the available evidence is currently insufficient to determine the role of this variant in disease. Therefore, it has been classified as a Variant of Uncertain Significance. Algorithms developed to predict the effect of missense changes on protein structure and function (SIFT, PolyPhen-2, Align-GVGD) all suggest that this variant is likely to be tolerated. This variant has not been reported in the literature in individuals affected with RAD50-related conditions. This variant is not present in population databases (ExAC no frequency). This sequence change replaces valine with leucine at codon 892 of the RAD50 protein (p.Val892Leu). The valine residue is moderately conserved and there is a small physicochemical difference between valine and leucine.